The following is an entry in ClinVar:

NM_000444.6(PHEX):c.210_217del (p.Asn71fs)

Gene: PHEX (phosphate regulating endopeptidase X-linked; plus strand). Cytogenetic location: Xp22.11.
Variant type: Deletion.
Coding change: c.210_217del on transcript NM_000444.6 (MANE Select); coding-DNA positions 210 to 217, 8 bases deleted (AAATCTGT; older notation c.210_217delAAATCTGT).
Protein change: p.Asn71fs; shifts the reading frame from asparagine 71.
Molecular consequence: frameshift variant.
Genome position (GRCh38, 1-based): chrX:22,047,072-22,047,079, AAATCTGT deleted; deleting any 8 consecutive bases within chrX:22,047,070-22,047,079 gives the same sequence; the c. name uses the placement nearest the transcript's 3' end. VCF-style (leftmost placement, unchanged base first): chrX-22047069-AGTAAATCT-A. GRCh37 (hg19) VCF-style: chrX-22065187-AGTAAATCT-A.
Other names: c.210_217del, p.Asn71fs (NM_001282754.2); short protein forms N71fs.
Identifiers: ClinVar variation 3655562 (VCV003655562.2).

ClinVar aggregate classification (germline): Pathogenic (1 of 4 stars; one submission).

Submission:

Labcorp Genetics (formerly Invitae), Labcorp
Classification: Pathogenic. Last evaluated: 2024-06-12. Review status: criteria provided, single submitter. Criteria: Invitae Variant Classification Sherloc (09022015). Collection method: clinical testing. Allele origin: germline.
Comment: This sequence change creates a premature translational stop signal (p.Asn71Cysfs*5) in the PHEX gene. It is expected to result in an absent or disrupted protein product. Loss-of-function variants in PHEX are known to be pathogenic (PMID: 9097956, 9106524, 19219621). This variant is not present in population databases (gnomAD no frequency). This variant has not been reported in the literature in individuals affected with PHEX-related conditions. For these reasons, this variant has been classified as Pathogenic.

Literature cited by the submitters: PubMed 9097956; PubMed 9106524; PubMed 19219621.